The following is an entry in ClinVar:

ClinVar aggregate classification (germline): Uncertain significance (1 of 4 stars; one submission).

Conditions:
Hereditary cancer-predisposing syndrome. Also called: Hereditary Cancer Syndrome; Tumor predisposition; Hereditary neoplastic syndrome; Neoplastic Syndromes, Hereditary. Identifiers: Orphanet 140162, MedGen C0027672, MeSH D009386, MONDO:0015356.

Submission:

Ambry Genetics
Classification: Uncertain significance for Hereditary cancer-predisposing syndrome. Last evaluated: 2024-11-17. Review status: criteria provided, single submitter. Criteria: Ambry Variant Classification Scheme 2023. Collection method: clinical testing. Allele origin: germline.
Comment: The p.A1244S variant (also known as c.3730G>T), located in coding exon 18 of the MET gene, results from a G to T substitution at nucleotide position 3730. The alanine at codon 1244 is replaced by serine, an amino acid with similar properties. This amino acid position is conserved. In addition, the in silico prediction for this alteration is inconclusive. Based on the available evidence, the clinical significance of this variant remains unclear.

NM_000245.4(MET):c.3676G>T (p.Ala1226Ser)

Gene: MET (MET proto-oncogene, receptor tyrosine kinase; plus strand). Cytogenetic location: 7q31.2.
Variant type: single nucleotide variant.
Coding change: c.3676G>T on transcript NM_000245.4 (MANE Select); coding-DNA position 3676, G replaced by T.
Protein change: p.Ala1226Ser; replaces alanine 1226 with serine.
Molecular consequence: missense variant.
Genome position (GRCh38, 1-based): chr7:116,783,347, G>T. VCF-style: chr7-116783347-G-T. GRCh37 (hg19) VCF-style: chr7-116423401-G-T.
Other names: c.3730G>T, p.Ala1244Ser (NM_001127500.3); c.2386G>T, p.Ala796Ser (NM_001324402.2); short protein forms A1226S, A796S, A1244S.
Identifiers: ClinVar variation 3395202 (VCV003395202.1).